The following is an entry in ClinVar:

NM_000718.4(CACNA1B):c.1310G>A (p.Arg437Gln)

Gene: CACNA1B (calcium voltage-gated channel subunit alpha1 B; plus strand). Cytogenetic location: 9q34.3.
Variant type: single nucleotide variant.
Coding change: c.1310G>A on transcript NM_000718.4 (MANE Select); coding-DNA position 1310, G replaced by A.
Protein change: p.Arg437Gln; replaces arginine 437 with glutamine.
Molecular consequence: missense variant.
Genome position (GRCh38, 1-based): chr9:137,957,664, G>A. VCF-style: chr9-137957664-G-A. GRCh37 (hg19) VCF-style: chr9-140852116-G-A.
Other names: c.1310G>A, p.Arg437Gln (NM_001243812.2); short protein forms R437Q.
Identifiers: ClinVar variation 976418 (VCV000976418.8), dbSNP rs1320904451, ClinGen allele CA375803167.

ClinVar aggregate classification (germline): Uncertain significance. Review status: criteria provided, multiple submitters, no conflicts (2 of 4 stars). 3 submissions from 3 submitters: Uncertain significance (3). Last evaluated 2025-03-20.

Conditions:
Neurodevelopmental disorder with seizures and nonepileptic hyperkinetic movements. Identifiers: MedGen C5193128, MONDO:0032784, OMIM 618497.

Allele frequency attached by ClinVar (database versions not stated): gnomAD 0.00001; TOPMed 0.00001.
gnomAD v4.1: 22 of 1,600,590 alleles (0.0014%); highest among the groups gnomAD compares: East Asian, 0.0023%; no homozygotes.

Submissions (3):

GeneDx
Classification: Uncertain significance. Last evaluated: 2025-03-20. Review status: criteria provided, single submitter. Criteria: GeneDx Variant Classification Process June 2021. Collection method: clinical testing. Allele origin: germline. Affected: yes.
Comment: In silico analysis indicates that this missense variant does not alter protein structure/function; Has not been previously published as pathogenic or benign to our knowledge

Labcorp Genetics (formerly Invitae), Labcorp
Classification: Uncertain significance. Last evaluated: 2024-12-17. Review status: criteria provided, single submitter. Criteria: Invitae Variant Classification Sherloc (09022015). Collection method: clinical testing. Allele origin: germline.
Comment: This sequence change replaces arginine, which is basic and polar, with glutamine, which is neutral and polar, at codon 437 of the CACNA1B protein (p.Arg437Gln). The frequency data for this variant in the population databases is considered unreliable, as metrics indicate poor data quality at this position in the gnomAD database. This variant has not been reported in the literature in individuals affected with CACNA1B-related conditions. ClinVar contains an entry for this variant (Variation ID: 976418). Invitae Evidence Modeling of protein sequence and biophysical properties (such as structural, functional, and spatial information, amino acid conservation, physicochemical variation, residue mobility, and thermodynamic stability) indicates that this missense variant is not expected to disrupt CACNA1B protein function with a negative predictive value of 80%. In summary, the available evidence is currently insufficient to determine the role of this variant in disease. Therefore, it has been classified as a Variant of Uncertain Significance.

Institute of Human Genetics, University of Leipzig Medical Center
Classification: Uncertain significance for Neurodevelopmental disorder with seizures and nonepileptic hyperkinetic movements. Last evaluated: 2018-05-02. Review status: criteria provided, single submitter. Criteria: ACMG Guidelines, 2015. Collection method: clinical testing. Allele origin: germline. Affected: yes.